The following is an entry in ClinVar:

ClinVar aggregate classification (germline): Benign. Review status: criteria provided, multiple submitters, no conflicts (2 of 4 stars). 5 submissions from 5 submitters: Benign (3). 2 of the submissions do not count toward it. Last evaluated 2026-09-01.

Allele frequency attached by ClinVar (database versions not stated): 1000 Genomes Project 30x 0.00547; 1000 Genomes Project 0.00559; TOPMed 0.00847; gnomAD 0.01046 and 0.01083; ESP Exome Variant Server 0.01053; gnomAD exomes 0.01308; ExAC 0.01339.
gnomAD v4.1: 22,708 of 1,585,646 alleles (1.4%); highest among the groups gnomAD compares: South Asian, 2.3%; 232 homozygotes.

Submissions (5):

CeGaT Center for Human Genetics Tuebingen
Classification: Benign. Last evaluated: 2026-09-01. Review status: criteria provided, single submitter. Criteria: CeGaT Center For Human Genetics Tuebingen Variant Classification Criteria Version 2. Collection method: clinical testing. Allele origin: germline. Affected: yes. Observed: 31 variant alleles.
Comment: PMS2: BS1, BS2

Center for Genomic Medicine, Rigshospitalet, Copenhagen University Hospital
Classification: Benign. Last evaluated: 2025-03-04. Review status: criteria provided, single submitter. Criteria: ACMG Guidelines, 2015. Collection method: clinical testing. Allele origin: germline.

Quest Diagnostics Nichols Institute San Juan Capistrano
Classification: Benign. Last evaluated: 2019-06-04. Review status: criteria provided, single submitter. Criteria: Quest Diagnostics criteria. Collection method: clinical testing. Allele origin: germline.

Clinical Genetics Laboratory, Department of Pathology, Netherlands Cancer Institute
Classification: Benign. Review status: no assertion criteria provided. Collection method: clinical testing. Allele origin: germline. Affected: yes. Study: VKGL Data-share Consensus. Not counted in ClinVar's aggregate classification.

Joint Genome Diagnostic Labs from Nijmegen and Maastricht, Radboudumc and MUMC+
Classification: Benign. Review status: no assertion criteria provided. Collection method: clinical testing. Allele origin: germline. Affected: yes. Study: VKGL Data-share Consensus. Not counted in ClinVar's aggregate classification.

NM_000535.7(PMS2):c.705+36C>T

Gene: PMS2 (PMS1 homolog 2, mismatch repair system component; minus strand). Cytogenetic location: 7p22.1.
Variant type: single nucleotide variant.
Coding change: c.705+36C>T on transcript NM_000535.7 (MANE Select); 36 bases into the intron after coding-DNA position 705, C replaced by T.
Molecular consequence: intron variant.
Genome position (GRCh38, 1-based): chr7:5,999,072, G>A on the plus strand (C>T on the coding strand, the complement: PMS2 is on the minus strand). VCF-style: chr7-5999072-G-A. GRCh37 (hg19) VCF-style: chr7-6038703-G-A.
Other names: c.387+36C>T (NM_001322008.2, NM_001322007.2); c.300+36C>T (NM_001322010.2, NM_001322004.2, NM_001322003.2 and 2 more transcripts); c.133-1649C>T (NM_001322013.2); c.-229+36C>T (NM_001322012.2, NM_001322011.2); c.396+36C>T (NM_001322015.2); c.705+36C>T (NM_001322006.2, NM_001322014.2).
Identifiers: ClinVar variation 801247 (VCV000801247.20), dbSNP rs111908557, ClinGen allele CA051051.